The following is an entry in ClinVar:

ClinVar aggregate classification (germline): Uncertain significance (1 of 4 stars; one submission).

Conditions:
Familial melanoma. Also called: Hereditary melanoma; Hereditary cutaneous melanoma. Identifiers: Orphanet 618, MedGen C1512419, MONDO:0018961.

Submission:

Labcorp Genetics (formerly Invitae), Labcorp
Classification: Uncertain significance for Familial melanoma. Last evaluated: 2020-11-11. Review status: criteria provided, single submitter. Criteria: Invitae Variant Classification Sherloc (09022015). Collection method: clinical testing. Allele origin: germline.
Comment: This sequence change replaces glutamic acid with glutamine at codon 274 of the CDK4 protein (p.Glu274Gln). The glutamic acid residue is moderately conserved and there is a small physicochemical difference between glutamic acid and glutamine. This variant is not present in population databases (ExAC no frequency). This variant has not been reported in the literature in individuals with CDK4-related conditions. Algorithms developed to predict the effect of missense changes on protein structure and function (SIFT, PolyPhen-2, Align-GVGD) all suggest that this variant is likely to be tolerated, but these predictions have not been confirmed by published functional studies and their clinical significance is uncertain. Algorithms developed to predict the effect of sequence changes on RNA splicing suggest that this variant may disrupt the consensus splice site, but this prediction has not been confirmed by published transcriptional studies. In summary, the available evidence is currently insufficient to determine the role of this variant in disease. Therefore, it has been classified as a Variant of Uncertain Significance.

NM_000075.4(CDK4):c.820G>C (p.Glu274Gln)

Genes: CDK4 (cyclin dependent kinase 4; minus strand), TSPAN31 (tetraspanin 31; plus strand). Cytogenetic location: 12q14.1.
Variant type: single nucleotide variant.
Coding change: c.820G>C on transcript NM_000075.4 (MANE Select); coding-DNA position 820, G replaced by C.
Protein change: p.Glu274Gln; replaces glutamic acid 274 with glutamine.
Molecular consequence: missense variant. On other transcripts: 3 prime UTR variant (3).
Genome position (GRCh38, 1-based): chr12:57,748,617, C>G on the plus strand (G>C on the coding strand, the complement: CDK4 is on the minus strand). VCF-style: chr12-57748617-C-G. GRCh37 (hg19) VCF-style: chr12-58142400-C-G.
Other names: c.*1327C>G (NM_001330168.2, NM_001330169.2, NM_005981.5); short protein forms E274Q.
Identifiers: ClinVar variation 1346290 (VCV001346290.8), dbSNP rs2140381289, ClinGen allele CA385542673.